The following is an entry in ClinVar:

ClinVar aggregate classification (germline): Uncertain significance. Review status: criteria provided, multiple submitters, no conflicts (2 of 4 stars). 2 submissions from 2 submitters: Uncertain significance (2). Last evaluated 2024-12-14.

Conditions:
Ehlers-Danlos syndrome, classic type, 1 (EDSCL1). Also called: Ehlers-Danlos syndrome, type 1; Ehlers-Danlos Syndrome, Classic Type, COL5A1-Related; EDS I; EHLERS-DANLOS SYNDROME, GRAVIS TYPE; EHLERS-DANLOS SYNDROME, SEVERE CLASSIC TYPE. Identifiers: MedGen C0268335, MONDO:0019567, OMIM 130000.
Osteogenesis imperfecta type I (OI1). Also called: Osteogenesis imperfecta type 1; Lobstein's Disease; Lobstein disease; OI, TYPE I; OSTEOGENESIS IMPERFECTA TARDA; OSTEOGENESIS IMPERFECTA WITH BLUE SCLERAE. Identifiers: Orphanet 216796, Orphanet 666, MedGen C0023931, MONDO:0008146, OMIM 166200. Disease mechanism: loss of function.
Cardiovascular phenotype. Identifiers: MedGen CN230736.

Allele frequency attached by ClinVar (database versions not stated): ExAC 0.00002; gnomAD exomes 0.00001.
gnomAD v4.1: 17 of 1,613,666 alleles (0.0011%); highest among the groups gnomAD compares: Non-Finnish European, 0.0014%; no homozygotes.

Submissions (2):

Labcorp Genetics (formerly Invitae), Labcorp
Classification: Uncertain significance for Osteogenesis imperfecta type I; Ehlers-Danlos syndrome, classic type, 1. Last evaluated: 2024-12-14. Review status: criteria provided, single submitter. Criteria: Invitae Variant Classification Sherloc (09022015). Collection method: clinical testing. Allele origin: germline.
Comment: This sequence change replaces histidine, which is basic and polar, with arginine, which is basic and polar, at codon 576 of the COL1A2 protein (p.His576Arg). This variant is present in population databases (rs368676099, gnomAD 0.003%). This variant has not been reported in the literature in individuals affected with COL1A2-related conditions. ClinVar contains an entry for this variant (Variation ID: 1778877). Invitae Evidence Modeling of protein sequence and biophysical properties (such as structural, functional, and spatial information, amino acid conservation, physicochemical variation, residue mobility, and thermodynamic stability) indicates that this missense variant is not expected to disrupt COL1A2 protein function with a negative predictive value of 95%. In summary, the available evidence is currently insufficient to determine the role of this variant in disease. Therefore, it has been classified as a Variant of Uncertain Significance.

Ambry Genetics
Classification: Uncertain significance for Cardiovascular phenotype. Last evaluated: 2022-10-25. Review status: criteria provided, single submitter. Criteria: Ambry Variant Classification Scheme 2023. Collection method: clinical testing. Allele origin: germline.
Comment: The p.H576R variant (also known as c.1727A>G), located in coding exon 30 of the COL1A2 gene, results from an A to G substitution at nucleotide position 1727. The histidine at codon 576 is replaced by arginine, an amino acid with highly similar properties. This alteration has been reported in an osteogenesis imperfecta cohort (Lindahl K et al. Eur J Hum Genet, 2015 Aug;23:1042-50). This amino acid position is poorly conserved in available vertebrate species. In addition, this alteration is predicted to be tolerated by in silico analysis. Since supporting evidence is limited at this time, the clinical significance of this alteration remains unclear.

Literature cited by the submitters: PubMed 25944380 (cited by Ambry Genetics).

NM_000089.4(COL1A2):c.1727A>G (p.His576Arg)

Gene: COL1A2 (collagen type I alpha 2 chain; plus strand). Cytogenetic location: 7q21.3.
Variant type: single nucleotide variant.
Coding change: c.1727A>G on transcript NM_000089.4 (MANE Select); coding-DNA position 1727, A replaced by G.
Protein change: p.His576Arg; replaces histidine 576 with arginine.
Molecular consequence: missense variant.
Genome position (GRCh38, 1-based): chr7:94,415,233, A>G. VCF-style: chr7-94415233-A-G. GRCh37 (hg19) VCF-style: chr7-94044545-A-G.
Other names: short protein forms H576R.
Identifiers: ClinVar variation 1778877 (VCV001778877.7), dbSNP rs368676099, ClinGen allele CA4347191.